The following is an entry in ClinVar:

ClinVar aggregate classification (germline): Uncertain significance (1 of 4 stars; one submission).

Conditions:
Granulomatous disease, chronic, autosomal recessive, cytochrome b-positive, type 2. Also called: Chronic Granulomatous Disease, Autosomal Recessive, Cytochrome b-Positive, Type II; GRANULOMATOUS DISEASE, CHRONIC, AUTOSOMAL RECESSIVE, 2; Chronic granulomatous disease due to deficiency of NCF-2; GRANULOMATOUS DISEASE, CHRONIC, DUE TO NCF2 DEFICIENCY; CGD, AUTOSOMAL RECESSIVE CYTOCHROME b-POSITIVE, TYPE II. Identifiers: Orphanet 379, MedGen C1856245, MONDO:0009310, OMIM 233710.

Submission:

Labcorp Genetics (formerly Invitae), Labcorp
Classification: Uncertain significance for Granulomatous disease, chronic, autosomal recessive, cytochrome b-positive, type 2. Last evaluated: 2022-07-19. Review status: criteria provided, single submitter. Criteria: Invitae Variant Classification Sherloc (09022015). Collection method: clinical testing. Allele origin: germline.
Comment: In summary, the available evidence is currently insufficient to determine the role of this variant in disease. Therefore, it has been classified as a Variant of Uncertain Significance. Algorithms developed to predict the effect of missense changes on protein structure and function output the following: SIFT: "Tolerated"; PolyPhen-2: "Benign"; Align-GVGD: "Class C0". The alanine amino acid residue is found in multiple mammalian species, which suggests that this missense change does not adversely affect protein function. ClinVar contains an entry for this variant (Variation ID: 1435878). This variant has not been reported in the literature in individuals affected with NCF2-related conditions. This variant is not present in population databases (gnomAD no frequency). This sequence change replaces valine, which is neutral and non-polar, with alanine, which is neutral and non-polar, at codon 179 of the NCF2 protein (p.Val179Ala).

NM_000433.4(NCF2):c.536T>C (p.Val179Ala)

Gene: NCF2 (neutrophil cytosolic factor 2; minus strand). Cytogenetic location: 1q25.3.
Variant type: single nucleotide variant.
Coding change: c.536T>C on transcript NM_000433.4 (MANE Select); coding-DNA position 536, T replaced by C.
Protein change: p.Val179Ala; replaces valine 179 with alanine.
Molecular consequence: missense variant. On other transcripts: intron variant (1).
Genome position (GRCh38, 1-based): chr1:183,573,258, A>G on the plus strand (T>C on the coding strand, the complement: NCF2 is on the minus strand). VCF-style: chr1-183573258-A-G. GRCh37 (hg19) VCF-style: chr1-183542393-A-G.
Other names: c.536T>C, p.Val179Ala (NM_001127651.3); c.401T>C, p.Val134Ala (NM_001190794.2); c.367-2419T>C (NM_001190789.2); short protein forms V179A, V134A.
Identifiers: ClinVar variation 1435878 (VCV001435878.6), dbSNP rs2102903236, ClinGen allele CA343676257.